The following is an entry in ClinVar:

NM_138713.4(NFAT5):c.2121T>C (p.Phe707=)

Gene: NFAT5 (nuclear factor of activated T cells 5; plus strand). Cytogenetic location: 16q22.1.
Variant type: single nucleotide variant.
Coding change: c.2121T>C on transcript NM_138713.4 (MANE Select); coding-DNA position 2121, T replaced by C.
Protein change: p.Phe707=; no amino-acid change (phenylalanine 707 retained).
Molecular consequence: synonymous variant.
Genome position (GRCh38, 1-based): chr16:69,691,946, T>C. VCF-style: chr16-69691946-T-C. GRCh37 (hg19) VCF-style: chr16-69725849-T-C.
Other names: c.2121T>C, p.Phe707= (LRG_1332t1); c.2118T>C, p.Phe706= (NM_001113178.3); c.1446T>C, p.Phe482= (NM_001367709.1); c.2067T>C, p.Phe689= (NM_006599.4); c.1839T>C, p.Phe613= (NM_138714.4, NM_173214.3, NM_173215.3).
Identifiers: ClinVar variation 526783 (VCV000526783.36), dbSNP rs140247329, ClinGen allele CA8135718.

ClinVar aggregate classification (germline): Benign/Likely benign. Review status: criteria provided, multiple submitters, no conflicts (2 of 4 stars). 4 submissions from 4 submitters: Benign (1); Likely benign (2). 1 of the submissions does not count toward it. Last evaluated 2026-01-02.

Conditions:
NFAT5-related disorder. Also called: NFAT5-related condition.
Immunodeficiency. Identifiers: MedGen C0021051, MONDO:0021094, HP:0002721.

Allele frequency attached by ClinVar (database versions not stated): gnomAD exomes 0.00078 and 0.00060; ExAC 0.00108; TOPMed 0.00028; 1000 Genomes Project 30x 0.00031; ESP Exome Variant Server 0.00038; 1000 Genomes Project 0.00040; gnomAD 0.00058 and 0.00061.
gnomAD v4.1: 955 of 1,614,154 alleles (0.059%); highest among the groups gnomAD compares: Non-Finnish European, 0.057%; no homozygotes.

Submissions (4):

Labcorp Genetics (formerly Invitae), Labcorp
Classification: Benign for Immunodeficiency. Last evaluated: 2026-01-02. Review status: criteria provided, single submitter. Criteria: Invitae Variant Classification Sherloc (09022015). Collection method: clinical testing. Allele origin: germline.

Blueprint Genetics
Classification: Likely benign. Last evaluated: 2024-09-30. Review status: criteria provided, single submitter. Criteria: ACMG Guidelines, 2015. Collection method: clinical testing. Allele origin: germline.

CeGaT Center for Human Genetics Tuebingen
Classification: Likely benign. Last evaluated: 2024-01-01. Review status: criteria provided, single submitter. Criteria: CeGaT Center For Human Genetics Tuebingen Variant Classification Criteria Version 2. Collection method: clinical testing. Allele origin: germline. Affected: yes. Observed: 1 variant allele.
Comment: NFAT5: BP4, BP7

PreventionGenetics, part of Exact Sciences
Classification: Likely benign for NFAT5-related condition. Last evaluated: 2019-06-25. Review status: no assertion criteria provided. Collection method: clinical testing. Allele origin: germline. Not counted in ClinVar's aggregate classification.
Comment: This variant is classified as likely benign based on ACMG/AMP sequence variant interpretation guidelines (Richards et al. 2015 PMID: 25741868, with internal and published modifications).